The following is an entry in ClinVar:

NM_004525.3(LRP2):c.11160T>A (p.His3720Gln)

Gene: LRP2 (LDL receptor related protein 2; minus strand). Cytogenetic location: 2q31.1.
Variant type: single nucleotide variant.
Coding change: c.11160T>A on transcript NM_004525.3 (MANE Select); coding-DNA position 11160, T replaced by A.
Protein change: p.His3720Gln; replaces histidine 3720 with glutamine.
Molecular consequence: missense variant.
Genome position (GRCh38, 1-based): chr2:169,172,118, A>T on the plus strand (T>A on the coding strand, the complement: LRP2 is on the minus strand). VCF-style: chr2-169172118-A-T. GRCh37 (hg19) VCF-style: chr2-170028628-A-T.
Other names: short protein forms H3720Q.
Identifiers: ClinVar variation 3634076 (VCV003634076.2).

ClinVar aggregate classification (germline): Uncertain significance (1 of 4 stars; one submission).

Submission:

Labcorp Genetics (formerly Invitae), Labcorp
Classification: Uncertain significance. Last evaluated: 2024-03-01. Review status: criteria provided, single submitter. Criteria: Invitae Variant Classification Sherloc (09022015). Collection method: clinical testing. Allele origin: germline.
Comment: This sequence change replaces histidine, which is basic and polar, with glutamine, which is neutral and polar, at codon 3720 of the LRP2 protein (p.His3720Gln). This variant is not present in population databases (gnomAD no frequency). This variant has not been reported in the literature in individuals affected with LRP2-related conditions. Advanced modeling of protein sequence and biophysical properties (such as structural, functional, and spatial information, amino acid conservation, physicochemical variation, residue mobility, and thermodynamic stability) performed at Invitae indicates that this missense variant is not expected to disrupt LRP2 protein function with a negative predictive value of 95%. In summary, the available evidence is currently insufficient to determine the role of this variant in disease. Therefore, it has been classified as a Variant of Uncertain Significance.